The following is an entry in ClinVar:

NM_020699.4(GATAD2B):c.1447G>A (p.Ala483Thr)

Gene: GATAD2B (GATA zinc finger domain containing 2B; minus strand). Cytogenetic location: 1q21.3.
Variant type: single nucleotide variant.
Coding change: c.1447G>A on transcript NM_020699.4 (MANE Select); coding-DNA position 1447, G replaced by A.
Protein change: p.Ala483Thr; replaces alanine 483 with threonine.
Molecular consequence: missense variant.
Genome position (GRCh38, 1-based): chr1:153,812,105, C>T on the plus strand (G>A on the coding strand, the complement: GATAD2B is on the minus strand). VCF-style: chr1-153812105-C-T. GRCh37 (hg19) VCF-style: chr1-153784581-C-T.
Other names: short protein forms A483T.
Identifiers: ClinVar variation 1362260 (VCV001362260.8), dbSNP rs1315030750, ClinGen allele CA342581333.

ClinVar aggregate classification (germline): Uncertain significance (1 of 4 stars; one submission).

Allele frequency attached by ClinVar (database versions not stated): gnomAD exomes below 0.00001; gnomAD 0.00001; TOPMed 0.00001.
gnomAD v4.1: 5 of 1,611,868 alleles (0.00031%); highest among the groups gnomAD compares: Non-Finnish European, 0.00042%; no homozygotes.

Submission:

Labcorp Genetics (formerly Invitae), Labcorp
Classification: Uncertain significance. Last evaluated: 2021-06-18. Review status: criteria provided, single submitter. Criteria: Invitae Variant Classification Sherloc (09022015). Collection method: clinical testing. Allele origin: germline.
Comment: In summary, the available evidence is currently insufficient to determine the role of this variant in disease. Therefore, it has been classified as a Variant of Uncertain Significance. Algorithms developed to predict the effect of missense changes on protein structure and function are either unavailable or do not agree on the potential impact of this missense change (SIFT: "Not Available"; PolyPhen-2: "Benign"; Align-GVGD: "Not Available"). This variant has not been reported in the literature in individuals with GATAD2B-related conditions. This variant is not present in population databases (ExAC no frequency). This sequence change replaces alanine with threonine at codon 483 of the GATAD2B protein (p.Ala483Thr). The alanine residue is highly conserved and there is a small physicochemical difference between alanine and threonine.